The following is an entry in ClinVar:

ClinVar aggregate classification (germline): Uncertain significance (1 of 4 stars; one submission).

Conditions:
Mucopolysaccharidosis type 6 (MPS6). Also called: N-ACETYLGALACTOSAMINE-4-SULFATASE DEFICIENCY; MPS VI; MPS 6; Maroteaux Lamy syndrome; ARSB DEFICIENCY; ARYLSULFATASE B DEFICIENCY. Identifiers: Orphanet 583, MedGen C0026709, MONDO:0009661, OMIM 253200.

Submission:

Laboratory of Diagnosis and Therapy of Lysosomal Disorders, University of Padova
Classification: Uncertain significance for Mucopolysaccharidosis type 6. Last evaluated: 2018-01-01. Review status: criteria provided, single submitter. Criteria: ACMG Guidelines, 2015. Collection method: curation. Allele origin: germline. Affected: yes.
Comment: Absent from GnomAD (PM2); Multiple lines of computational evidence support a deleterious effect on the gene product (PP3)

Incorrectly reported by Simonaro (1995) Biochim Biophys Acta 1272, 129 as c.436G>T

Literature cited by the submitters: PubMed 8541342; PubMed 30118150.

NM_000046.5(ARSB):c.437G>C (p.Trp146Ser)

Gene: ARSB (arylsulfatase B; minus strand). Cytogenetic location: 5q14.1.
Variant type: single nucleotide variant.
Coding change: c.437G>C on transcript NM_000046.5 (MANE Select); coding-DNA position 437, G replaced by C.
Protein change: p.Trp146Ser; replaces tryptophan 146 with serine.
Molecular consequence: missense variant.
Genome position (GRCh38, 1-based): chr5:78,969,068, C>G on the plus strand (G>C on the coding strand, the complement: ARSB is on the minus strand). VCF-style: chr5-78969068-C-G. GRCh37 (hg19) VCF-style: chr5-78264891-C-G.
Other names: c.437G>C, p.Trp146Ser (NM_198709.3); short protein forms W146S.
Identifiers: ClinVar variation 559785 (VCV000559785.1), dbSNP rs1554088034, ClinGen allele CA360194043.
Genomic context (GRCh38, chr5:78,969,068, plus strand): 5'-AAGTAGGTATCAAATCCTCGGCGGGTTGGAAGGCATTCTTTCCGGTACATTCCCAGGTGC[C>G]ATTTTCCGACCATATGGGTAGTATAACCTGCTTCTTTTAGGAGCTGGGGCAGGAGTTTTT-3'
Protein context (NP_000037.2, residues 136-156): AGYTTHMVGK[Trp146Ser]HLGMYRKECL